The following is an entry in ClinVar:

ClinVar aggregate classification (germline): Uncertain significance (1 of 4 stars; one submission).

Allele frequency attached by ClinVar (database versions not stated): gnomAD exomes below 0.00001; ExAC 0.00001; ESP Exome Variant Server 0.00008.

Submission:

Center for Pediatric Genomic Medicine, Children's Mercy Hospital and Clinics
Classification: Uncertain significance. Last evaluated: 2017-01-31. Review status: criteria provided, single submitter. Criteria: ACMG Guidelines, 2015. Collection method: clinical testing. Allele origin: germline.
ClinVar note: Converted during submission from Uncertain Significance to Uncertain significance.

NM_005559.4(LAMA1):c.2808+6A>G

Gene: LAMA1 (laminin subunit alpha 1; minus strand). Cytogenetic location: 18p11.31.
Variant type: single nucleotide variant.
Coding change: c.2808+6A>G on transcript NM_005559.4 (MANE Select); 6 bases into the intron after coding-DNA position 2808, A replaced by G.
Molecular consequence: intron variant.
Genome position (GRCh38, 1-based): chr18:7,017,272, T>C on the plus strand (A>G on the coding strand, the complement: LAMA1 is on the minus strand). VCF-style: chr18-7017272-T-C. GRCh37 (hg19) VCF-style: chr18-7017271-T-C.
Identifiers: ClinVar variation 376791 (VCV000376791.3), dbSNP rs377734734, ClinGen allele CA8882520.
Genomic context (GRCh38, chr18:7,017,272, plus strand): 5'-TCTGAGTCATGGATTCAATCGCCTCTGTACCAAGGCTAAGGTGTCAATTAGTCACATGCA[T>C]CTTACCAAGCACTGGTCACACTGCTGTCCAGTCACGTTTGGTTTGCAGTCACAGAGCCCG-3'